The following is an entry in ClinVar:

ClinVar aggregate classification (germline): Pathogenic (1 of 4 stars; one submission).

Conditions:
Hereditary diffuse gastric adenocarcinoma (HDGC). Also called: DIFFUSE GASTRIC AND LOBULAR BREAST CANCER SYNDROME. Identifiers: Orphanet 26106, MedGen C1708349, MONDO:0007648, OMIM 137215.

Submission:

Myriad Genetics, Inc.
Classification: Pathogenic for Hereditary diffuse gastric adenocarcinoma. Last evaluated: 2023-06-08. Review status: criteria provided, single submitter. Criteria: Myriad Autosomal Dominant, Autosomal Recessive and X-Linked Classification Criteria (2023). Collection method: clinical testing. Allele origin: unknown.
Comment: This variant is considered pathogenic. This variant creates a frameshift predicted to result in premature protein truncation.

NM_004360.5(CDH1):c.136del (p.Leu46fs)

Gene: CDH1 (cadherin 1; plus strand). Cytogenetic location: 16q22.1.
Variant type: Deletion.
Coding change: c.136del on transcript NM_004360.5 (MANE Select); coding-DNA position 136, one base deleted (C; older notation c.136delC).
Protein change: p.Leu46fs; shifts the reading frame from leucine 46.
Molecular consequence: frameshift variant. On other transcripts: 5 prime UTR variant (2).
Genome position (GRCh38, 1-based): chr16:68,738,384, C deleted; the last of 2 consecutive C bases (chr16:68,738,383-68,738,384); deleting either gives the same sequence. VCF-style (leftmost placement, unchanged base first): chr16-68738382-AC-A. GRCh37 (hg19) VCF-style: chr16-68772285-AC-A.
Other names: c.136del, p.Leu46fs (NM_001317184.2); c.-1480del (NM_001317185.2); c.-1684del (NM_001317186.2); short protein forms L46fs.
Identifiers: ClinVar variation 2583363 (VCV002583363.2), dbSNP rs2543817133, ClinGen allele CA2582342544.